The following is an entry in ClinVar:

NM_001035.3(RYR2):c.14479A>G (p.Ile4827Val)

Gene: RYR2 (ryanodine receptor 2; plus strand). Cytogenetic location: 1q43.
Variant type: single nucleotide variant.
Coding change: c.14479A>G on transcript NM_001035.3 (MANE Select); coding-DNA position 14479, A replaced by G.
Protein change: p.Ile4827Val; replaces isoleucine 4827 with valine.
Molecular consequence: missense variant.
Genome position (GRCh38, 1-based): chr1:237,819,081, A>G. VCF-style: chr1-237819081-A-G. GRCh37 (hg19) VCF-style: chr1-237982381-A-G.
Other names: short protein forms I4827V.
Identifiers: ClinVar variation 3633849 (VCV003633849.2).

ClinVar aggregate classification (germline): Uncertain significance (1 of 4 stars; one submission).

Conditions:
Catecholaminergic polymorphic ventricular tachycardia 1. Also called: VENTRICULAR TACHYCARDIA, CATECHOLAMINERGIC POLYMORPHIC, 1, WITH OR WITHOUT ATRIAL DYSFUNCTION AND/OR DILATED CARDIOMYOPATHY; RYR2-Related Catecholaminergic Polymorphic Ventricular Tachycardia; VENTRICULAR TACHYCARDIA, STRESS-INDUCED POLYMORPHIC 1. Identifiers: Orphanet 3286, MedGen C1631597, MONDO:0011484, OMIM 604772.

Submission:

Labcorp Genetics (formerly Invitae), Labcorp
Classification: Uncertain significance for Catecholaminergic polymorphic ventricular tachycardia 1. Last evaluated: 2024-09-11. Review status: criteria provided, single submitter. Criteria: Invitae Variant Classification Sherloc (09022015). Collection method: clinical testing. Allele origin: germline.
Comment: This sequence change replaces isoleucine, which is neutral and non-polar, with valine, which is neutral and non-polar, at codon 4827 of the RYR2 protein (p.Ile4827Val). This variant is not present in population databases (gnomAD no frequency). This variant has not been reported in the literature in individuals affected with RYR2-related conditions. Invitae Evidence Modeling of protein sequence and biophysical properties (such as structural, functional, and spatial information, amino acid conservation, physicochemical variation, residue mobility, and thermodynamic stability) indicates that this missense variant is expected to disrupt RYR2 protein function with a positive predictive value of 95%. In summary, the available evidence is currently insufficient to determine the role of this variant in disease. Therefore, it has been classified as a Variant of Uncertain Significance.